The following is an entry in ClinVar:

NM_203447.4(DOCK8):c.5818-14C>T

Gene: DOCK8 (dedicator of cytokinesis 8; plus strand). Cytogenetic location: 9p24.3.
Variant type: single nucleotide variant.
Coding change: c.5818-14C>T on transcript NM_203447.4 (MANE Select); 14 bases into the intron before coding-DNA position 5818, C replaced by T.
Molecular consequence: intron variant.
Genome position (GRCh38, 1-based): chr9:449,770, C>T. VCF-style: chr9-449770-C-T. GRCh37 (hg19) VCF-style: chr9-449770-C-T.
Other names: c.5614-14C>T (NM_001193536.2); c.5518-14C>T (NM_001190458.2).
Identifiers: ClinVar variation 137152 (VCV000137152.15), dbSNP rs10124592, ClinGen allele CA290688.

ClinVar aggregate classification (germline): Benign. Review status: criteria provided, multiple submitters, no conflicts (2 of 4 stars). 5 submissions from 5 submitters: Benign (5). Last evaluated 2026-02-04.

Conditions:
Combined immunodeficiency due to DOCK8 deficiency (HIES2). Also called: HYPER-IgE SYNDROME 2, AUTOSOMAL RECESSIVE, WITH RECURRENT INFECTIONS; DOCK8 Deficiency; HIES autosomal recessive; HYPER-IgE RECURRENT INFECTION SYNDROME 2, AUTOSOMAL RECESSIVE; Hyper-IgE recurrent infection syndrome, autosomal recessive. Identifiers: Orphanet 217390, MedGen C4722305, MONDO:0009478, OMIM 243700.

Allele frequency attached by ClinVar (database versions not stated): gnomAD exomes 0.00317 and 0.00786; ExAC 0.00950; gnomAD 0.02718 and 0.02927; 1000 Genomes Project 0.02776; 1000 Genomes Project 30x 0.02904; TOPMed 0.03074; ESP Exome Variant Server 0.03322.
gnomAD v4.1: 9,030 of 1,612,384 alleles (0.56%); highest among the groups gnomAD compares: African/African-American, 9.4%; 369 homozygotes.

Submissions (5):

Labcorp Genetics (formerly Invitae), Labcorp
Classification: Benign for Combined immunodeficiency due to DOCK8 deficiency. Last evaluated: 2026-02-04. Review status: criteria provided, single submitter. Criteria: Invitae Variant Classification Sherloc (09022015). Collection method: clinical testing. Allele origin: germline.

Women's Health and Genetics/Laboratory Corporation of America, LabCorp
Classification: Benign. Last evaluated: 2026-01-22. Review status: criteria provided, single submitter. Criteria: LabCorp Variant Classification Summary - May 2015. Collection method: clinical testing. Allele origin: germline.

Illumina Laboratory Services, Illumina
Classification: Benign for Combined immunodeficiency due to DOCK8 deficiency. Last evaluated: 2018-01-12. Review status: criteria provided, single submitter. Criteria: ICSL Variant Classification Criteria 13 December 2019. Collection method: clinical testing. Allele origin: germline.
Comment: This variant was observed in the ICSL laboratory as part of a predisposition screen in an ostensibly healthy population. It had not been previously curated by ICSL or reported in the Human Gene Mutation Database (HGMD: prior to June 1st, 2018), and was therefore a candidate for classification through an automated scoring system. Utilizing variant allele frequency, disease prevalence and penetrance estimates, and inheritance mode, an automated score was calculated to assess if this variant is too frequent to cause the disease. Based on the score and internal cut-off values, a variant classified as benign is not then subjected to further curation. The score for this variant resulted in a classification of benign for this disease.

GeneDx
Classification: Benign. Last evaluated: 2014-03-21. Review status: criteria provided, single submitter. Criteria: GeneDx Variant Classification (06012015). Collection method: clinical testing. Allele origin: germline. Affected: yes.
Comment: This variant is considered likely benign or benign based on one or more of the following criteria: it is a conservative change, it occurs at a poorly conserved position in the protein, it is predicted to be benign by multiple in silico algorithms, and/or has population frequency not consistent with disease.

Breakthrough Genomics
Classification: Benign. Review status: criteria provided, single submitter. Criteria: ACMG Guidelines, 2015. Collection method: not provided. Allele origin: germline. Inheritance: Autosomal recessive inheritance. Affected: yes.